The following is an entry in ClinVar:

NM_002294.3(LAMP2):c.1054G>A (p.Val352Ile)

Gene: LAMP2 (lysosome associated membrane protein 2; minus strand). Cytogenetic location: Xq24.
Variant type: single nucleotide variant.
Coding change: c.1054G>A on transcript NM_002294.3 (MANE Select); coding-DNA position 1054, G replaced by A.
Protein change: p.Val352Ile; replaces valine 352 with isoleucine.
Molecular consequence: missense variant.
Genome position (GRCh38, 1-based): chrX:120,441,769, C>T on the plus strand (G>A on the coding strand, the complement: LAMP2 is on the minus strand). VCF-style: chrX-120441769-C-T. GRCh37 (hg19) VCF-style: chrX-119575624-C-T.
Other names: c.1054G>A, p.Val352Ile (NM_001122606.1, NM_013995.2); short protein forms V352I.
Identifiers: ClinVar variation 1898855 (VCV001898855.6), dbSNP rs762895517, ClinGen allele CA10505213.

ClinVar aggregate classification (germline): Uncertain significance. Review status: criteria provided, multiple submitters, no conflicts (2 of 4 stars). 2 submissions from 2 submitters: Uncertain significance (2). Last evaluated 2026-01-12.

Conditions:
Danon disease. Also called: PSEUDOGLYCOGENOSIS II; GSD IIb; LYSOSOMAL GLYCOGEN STORAGE DISEASE WITHOUT ACID MALTASE DEFICIENCY; Glycogen Storage Disease Type IIb; ANTOPOL DISEASE. Identifiers: Orphanet 34587, MedGen C0878677, MONDO:0010281, OMIM 300257.
Cardiovascular phenotype. Identifiers: MedGen CN230736.

Allele frequency attached by ClinVar (database versions not stated): gnomAD exomes below 0.00001; ExAC 0.00001.

Submissions (2):

Ambry Genetics
Classification: Uncertain significance for Cardiovascular phenotype. Last evaluated: 2026-01-12. Review status: criteria provided, single submitter. Criteria: Ambry Variant Classification Scheme 2023. Collection method: clinical testing. Allele origin: germline.
Comment: The p.V352I variant (also known as c.1054G>A), located in coding exon 8 of the LAMP2 gene, results from a G to A substitution at nucleotide position 1054. The valine at codon 352 is replaced by isoleucine, an amino acid with highly similar properties. This amino acid position is conserved. In addition, this alteration is predicted to be tolerated by in silico analysis. Based on the available evidence, the clinical significance of this variant remains unclear.

Labcorp Genetics (formerly Invitae), Labcorp
Classification: Uncertain significance for Danon disease. Last evaluated: 2022-10-08. Review status: criteria provided, single submitter. Criteria: Invitae Variant Classification Sherloc (09022015). Collection method: clinical testing. Allele origin: germline.
Comment: This sequence change replaces valine, which is neutral and non-polar, with isoleucine, which is neutral and non-polar, at codon 352 of the LAMP2 protein (p.Val352Ile). In summary, the available evidence is currently insufficient to determine the role of this variant in disease. Therefore, it has been classified as a Variant of Uncertain Significance. Advanced modeling of protein sequence and biophysical properties (such as structural, functional, and spatial information, amino acid conservation, physicochemical variation, residue mobility, and thermodynamic stability) performed at Invitae indicates that this missense variant is not expected to disrupt LAMP2 protein function. This variant has not been reported in the literature in individuals affected with LAMP2-related conditions. This variant is present in population databases (rs762895517, gnomAD 0.004%).